The following is an entry in ClinVar:

ClinVar aggregate classification (germline): Likely benign (1 of 4 stars; one submission).

Allele frequency attached by ClinVar (database versions not stated): gnomAD 0.00007 and 0.00009; TOPMed 0.00013.
gnomAD v4.1: 25 of 1,566,072 alleles (0.0016%); highest among the groups gnomAD compares: African/African-American, 0.03%; no homozygotes.

Submission:

GeneDx
Classification: Likely benign. Last evaluated: 2018-05-14. Review status: criteria provided, single submitter. Criteria: GeneDx Variant Classification (06012015). Collection method: clinical testing. Allele origin: germline. Affected: yes.
Comment: This variant is considered likely benign or benign based on one or more of the following criteria: it is a conservative change, it occurs at a poorly conserved position in the protein, it is predicted to be benign by multiple in silico algorithms, and/or has population frequency not consistent with disease.

NM_152415.3(VPS37A):c.-13G>A

Gene: VPS37A (VPS37A subunit of ESCRT-I; plus strand). Cytogenetic location: 8p22.
Variant type: single nucleotide variant.
Coding change: c.-13G>A on transcript NM_152415.3 (MANE Select); 13 bases upstream of the start codon, G replaced by A.
Molecular consequence: 5 prime UTR variant.
Genome position (GRCh38, 1-based): chr8:17,247,232, G>A. VCF-style: chr8-17247232-G-A. GRCh37 (hg19) VCF-style: chr8-17104741-G-A.
Other names: c.-13G>A (NM_001145152.2, NM_001363167.1, NM_001363173.2); c.-328G>A (NM_001363168.1, NM_001363170.1, NM_001363172.2); c.-278G>A (NM_001363169.1, NM_001363171.1).
Identifiers: ClinVar variation 668283 (VCV000668283.1), dbSNP rs969137836, ClinGen allele CA172949014.